The following is an entry in ClinVar:

NM_000155.4(GALT):c.687+9G>C

Gene: GALT (galactose-1-phosphate uridylyltransferase; plus strand). Cytogenetic location: 9p13.3.
Variant type: single nucleotide variant.
Coding change: c.687+9G>C on transcript NM_000155.4 (MANE Select); 9 bases into the intron after coding-DNA position 687, G replaced by C.
Molecular consequence: intron variant.
Genome position (GRCh38, 1-based): chr9:34,648,465, G>C. VCF-style: chr9-34648465-G-C. GRCh37 (hg19) VCF-style: chr9-34648462-G-C.
Other names: c.360+9G>C (NM_001258332.2).
Identifiers: ClinVar variation 366698 (VCV000366698.30), dbSNP rs117998880, ClinGen allele CA5036186.
Genomic context (GRCh38, chr9:34,648,465, plus strand): 5'-GCATGGAGAGCCCCTGCTAATGGAGTACAGCCGCCAGGAGCTACTCAGGAAGGTGGGAGA[G>C]AGCCAAGCCCTGTGTCCCCAAGGAGTCCCTAACTTTCTTATCCCATGAGAGAGGTGTGTA-3'

ClinVar aggregate classification (germline): Likely benign. Review status: reviewed by expert panel (3 of 4 stars). 8 submissions from 8 submitters: Likely benign (1). 7 of the submissions do not count toward it. Last evaluated 2026-08-11.

Conditions:
GALT-related disorder. Also called: GALT-related condition.
Deficiency of UDPglucose-hexose-1-phosphate uridylyltransferase. Also called: GALT deficiency; Galactosemia, classic; Transferase Deficiency Galactosemia; GALACTOSEMIA I; GALACTOSE-1-PHOSPHATE URIDYLYLTRANSFERASE DEFICIENCY. Identifiers: Orphanet 352, Orphanet 79239, MedGen C0268151, MONDO:0009258, OMIM 230400.
Galactosemia. Also called: Galactose intolerance. Identifiers: Orphanet 352, MedGen C0016952, MONDO:0018116, HP:0004919. Disease mechanism: loss of function.

Allele frequency attached by ClinVar (database versions not stated): TOPMed 0.00056; gnomAD 0.00068 and 0.00057; gnomAD exomes 0.00072 and 0.00112; 1000 Genomes Project 0.00100; ESP Exome Variant Server 0.00100; 1000 Genomes Project 30x 0.00109; ExAC 0.00067.

Submissions (8):

Clingen Galactosemia Variant Curation Expert Panel, ClinGen
Classification: Likely benign for Galactosemia. Last evaluated: 2026-08-11. Review status: reviewed by expert panel. Criteria: ClinGen Galactosemia ACMG Specifications GALT V1.1. Collection method: curation. Allele origin: germline. Inheritance: Autosomal recessive inheritance.
Comment: The c.687+9G>C variant (NM_000155.4) is an intronic variant that is not predicted by SpliceAI to impact splicing. In addition, it occurs at a nucleotide that is not predicted to be involved in splicing (BP4, BP7). The filtering allele frequency of the c.687+9G>C variant in GALT is 0.001131 in European (non-Finnish) chromosomes by gnomAD v4.1.0 and 3 homozygotes were identified in South Asian population (PM2_Supporting, BS1, and BA1 are not met). In summary, this variant meets the criteria to be classified as likely benign for galactosemia based on the ACMG/AMP criteria applied, as specified by the ClinGen Galactosemia VCEP: BP4, BP7 (GALT specifications v1.0.0).

Labcorp Genetics (formerly Invitae), Labcorp
Classification: Likely benign for Deficiency of UDPglucose-hexose-1-phosphate uridylyltransferase. Last evaluated: 2026-01-28. Review status: criteria provided, single submitter. Criteria: Invitae Variant Classification Sherloc (09022015). Collection method: clinical testing. Allele origin: germline. Not counted in ClinVar's aggregate classification.

PreventionGenetics, part of Exact Sciences
Classification: Likely benign for GALT-related condition. Last evaluated: 2025-08-05. Review status: criteria provided, single submitter. Criteria: ACMG Guidelines, 2015. Collection method: clinical testing. Allele origin: germline. Not counted in ClinVar's aggregate classification.
Comment: This variant is classified as likely benign based on ACMG/AMP sequence variant interpretation guidelines (Richards et al. 2015 PMID: 25741868, with internal and published modifications).

CeGaT Center for Human Genetics Tuebingen
Classification: Likely benign. Last evaluated: 2025-08-01. Review status: criteria provided, single submitter. Criteria: CeGaT Center For Human Genetics Tuebingen Variant Classification Criteria Version 2. Collection method: clinical testing. Allele origin: germline. Affected: yes. Observed: 1 variant allele. Not counted in ClinVar's aggregate classification.
Comment: GALT: BS2

Blueprint Genetics
Classification: Likely benign. Last evaluated: 2024-10-11. Review status: criteria provided, single submitter. Criteria: ACMG Guidelines, 2015. Collection method: clinical testing. Allele origin: germline. Not counted in ClinVar's aggregate classification.

Women's Health and Genetics/Laboratory Corporation of America, LabCorp
Classification: Likely benign. Last evaluated: 2020-07-20. Review status: criteria provided, single submitter. Criteria: LabCorp Variant Classification Summary - May 2015. Collection method: clinical testing. Allele origin: germline. Not counted in ClinVar's aggregate classification.
Comment: Variant summary: GALT c.687+9G>C alters a non-conserved nucleotide located close to a canonical splice site and therefore could affect mRNA splicing, leading to a significantly altered protein sequence. 4/4 computational tools predict no significant impact on normal splicing. However, these predictions have yet to be confirmed by functional studies. The variant allele was found at a frequency of 0.00072 in 251404 control chromosomes, including one homozygote, predominantly at a frequency of 0.0011 within the East Asian subpopulation in the gnomAD database. This frequency is not significantly higher than expected for a pathogenic variant in GALT causing Galactosemia (0.00072 vs 0.0029), allowing no conclusion about variant significance, however the presence of a homozygous individual in the gnomAD database suggests that the variant may be benign. To our knowledge, no occurrence of c.687+9G>C in individuals affected with Galactosemia and no experimental evidence demonstrating its impact on protein function have been reported in the literature. Co-occurrences with other pathogenic variants (GALT c.-119_-116delGTCA; GALT c.[-1039_753del3162; 820+51_*789del2294ins12]) have been reported in unaffected individuals undergoing carrier screening (internal database), providing supporting evidence for a benign role. Two other clinical diagnostic laboratories have submitted clinical-significance assessments for this variant to ClinVar after 2014 without evidence for independent evaluation. One laboratory cited the variant as likely benign, and one laboratory cited the variant as uncertain significance. Based on the evidence outlined above, the variant was classified as likely benign.

Illumina Laboratory Services, Illumina
Classification: Uncertain significance for Deficiency of UDPglucose-hexose-1-phosphate uridylyltransferase. Last evaluated: 2018-01-12. Review status: criteria provided, single submitter. Criteria: ICSL Variant Classification Criteria 13 December 2019. Collection method: clinical testing. Allele origin: germline. Not counted in ClinVar's aggregate classification.

Natera, Inc.
Classification: Uncertain significance for Galactosemia. Last evaluated: 2018-05-22. Review status: no assertion criteria provided. Collection method: clinical testing. Allele origin: germline. Not counted in ClinVar's aggregate classification.